The following is an entry in ClinVar:

NM_003803.4(MYOM1):c.686C>A (p.Ala229Asp)

Gene: MYOM1 (myomesin 1; minus strand). Cytogenetic location: 18p11.31.
Variant type: single nucleotide variant.
Coding change: c.686C>A on transcript NM_003803.4 (MANE Select); coding-DNA position 686, C replaced by A.
Protein change: p.Ala229Asp; replaces alanine 229 with aspartic acid.
Molecular consequence: missense variant.
Genome position (GRCh38, 1-based): chr18:3,188,833, G>T on the plus strand (C>A on the coding strand, the complement: MYOM1 is on the minus strand). VCF-style: chr18-3188833-G-T. GRCh37 (hg19) VCF-style: chr18-3188831-G-T.
Other names: c.686C>A, p.Ala229Asp (NM_019856.2); short protein forms A229D.
Identifiers: ClinVar variation 1012064 (VCV001012064.11), dbSNP rs866006864, ClinGen allele CA295517531.

ClinVar aggregate classification (germline): Uncertain significance. Review status: criteria provided, multiple submitters, no conflicts (2 of 4 stars). 2 submissions from 2 submitters: Uncertain significance (2). Last evaluated 2025-10-08.

Conditions:
Hypertrophic cardiomyopathy. Also called: HYPERTROPHIC MYOCARDIOPATHY. Identifiers: Orphanet 217569, MedGen C0007194, MeSH D002312, MONDO:0005045, HP:0001639.

Allele frequency attached by ClinVar (database versions not stated): gnomAD 0.00004; TOPMed 0.00007; 1000 Genomes Project 30x 0.00031; gnomAD exomes below 0.00001.
gnomAD v4.1: 12 of 1,612,862 alleles (0.00074%); highest among the groups gnomAD compares: African/African-American, 0.015%; no homozygotes.

Submissions (2):

Labcorp Genetics (formerly Invitae), Labcorp
Classification: Uncertain significance for Hypertrophic cardiomyopathy. Last evaluated: 2025-10-08. Review status: criteria provided, single submitter. Criteria: Invitae Variant Classification Sherloc (09022015). Collection method: clinical testing. Allele origin: germline.
Comment: This sequence change replaces alanine, which is neutral and non-polar, with aspartic acid, which is acidic and polar, at codon 229 of the MYOM1 protein (p.Ala229Asp). This variant is present in population databases (no rsID available, gnomAD 0.004%). This variant has not been reported in the literature in individuals affected with MYOM1-related conditions. ClinVar contains an entry for this variant (Variation ID: 1012064). Invitae Evidence Modeling of protein sequence and biophysical properties (such as structural, functional, and spatial information, amino acid conservation, physicochemical variation, residue mobility, and thermodynamic stability) indicates that this missense variant is not expected to disrupt MYOM1 protein function with a negative predictive value of 80%. In summary, the available evidence is currently insufficient to determine the role of this variant in disease. Therefore, it has been classified as a Variant of Uncertain Significance.

Ambry Genetics
Classification: Uncertain significance. Last evaluated: 2023-12-29. Review status: criteria provided, single submitter. Criteria: Ambry Variant Classification Scheme 2023. Collection method: clinical testing. Allele origin: germline.
Comment: The p.A229D variant (also known as c.686C>A), located in coding exon 3 of the MYOM1 gene, results from a C to A substitution at nucleotide position 686. The alanine at codon 229 is replaced by aspartic acid, an amino acid with dissimilar properties. This amino acid position is conserved. In addition, this alteration is predicted to be tolerated by in silico analysis. Since supporting evidence is limited at this time, the clinical significance of this alteration remains unclear.